The following is an entry in ClinVar:

ClinVar aggregate classification (germline): Conflicting classifications of pathogenicity. Review status: criteria provided, conflicting classifications (1 of 4 stars). 8 submissions from 8 submitters: Uncertain significance (1); Benign (6); Likely benign (1). Last evaluated 2026-02-01.

Conditions:
Inborn genetic diseases. Identifiers: MedGen C0950123, MeSH D030342.
Spinocerebellar ataxia type 11 (SCA11). Identifiers: Orphanet 98767, MedGen C1858351, MONDO:0011464, OMIM 604432.

Allele frequency attached by ClinVar (database versions not stated): ESP Exome Variant Server 0.00138; gnomAD 0.00138 and 0.00165; TOPMed 0.00144; 1000 Genomes Project 0.00160; 1000 Genomes Project 30x 0.00203; gnomAD exomes 0.00242 and 0.00277; ExAC 0.00243.
gnomAD v4.1: 4,308 of 1,614,234 alleles (0.27%); highest among the groups gnomAD compares: South Asian, 1%; 20 homozygotes.

Submissions (8):

Labcorp Genetics (formerly Invitae), Labcorp
Classification: Benign. Last evaluated: 2026-02-01. Review status: criteria provided, single submitter. Criteria: Invitae Variant Classification Sherloc (09022015). Collection method: clinical testing. Allele origin: germline.

CeGaT Center for Human Genetics Tuebingen
Classification: Benign. Last evaluated: 2025-06-01. Review status: criteria provided, single submitter. Criteria: CeGaT Center For Human Genetics Tuebingen Variant Classification Criteria Version 2. Collection method: clinical testing. Allele origin: germline. Affected: yes. Observed: 5 variant alleles.
Comment: TTBK2: BS1, BS2

Mayo Clinic Laboratories, Mayo Clinic
Classification: Benign. Last evaluated: 2025-05-30. Review status: criteria provided, single submitter. Criteria: ACMG Guidelines, 2015. Collection method: clinical testing. Allele origin: germline. Observed: 3 variant alleles.
Comment: BA1, BS2, BP4

GeneDx
Classification: Likely benign. Last evaluated: 2024-12-04. Review status: criteria provided, single submitter. Criteria: GeneDx Variant Classification Process June 2021. Collection method: clinical testing. Allele origin: germline. Affected: yes.
Comment: See Variant Classification Assertion Criteria.

Athena Diagnostics
Classification: Benign. Last evaluated: 2024-08-06. Review status: criteria provided, single submitter. Criteria: Athena Diagnostics Criteria. Collection method: clinical testing. Allele origin: unknown.

Ambry Genetics
Classification: Uncertain significance for Inborn genetic diseases. Last evaluated: 2024-05-14. Review status: criteria provided, single submitter. Criteria: Ambry Variant Classification Scheme 2023. Collection method: clinical testing. Allele origin: germline.

Illumina Laboratory Services, Illumina
Classification: Benign for Spinocerebellar ataxia type 11. Last evaluated: 2018-01-13. Review status: criteria provided, single submitter. Criteria: ICSL Variant Classification Criteria 13 December 2019. Collection method: clinical testing. Allele origin: germline.
Comment: This variant was observed in the ICSL laboratory as part of a predisposition screen in an ostensibly healthy population. It had not been previously curated by ICSL or reported in the Human Gene Mutation Database (HGMD: prior to June 1st, 2018), and was therefore a candidate for classification through an automated scoring system. Utilizing variant allele frequency, disease prevalence and penetrance estimates, and inheritance mode, an automated score was calculated to assess if this variant is too frequent to cause the disease. Based on the score and internal cut-off values, a variant classified as benign is not then subjected to further curation. The score for this variant resulted in a classification of benign for this disease.

Breakthrough Genomics
Classification: Benign. Review status: criteria provided, single submitter. Criteria: ACMG Guidelines, 2015. Collection method: not provided. Allele origin: germline. Inheritance: Autosomal dominant inheritance. Affected: yes.

NM_173500.4(TTBK2):c.3185C>T (p.Thr1062Ile)

Gene: TTBK2 (tau tubulin kinase 2; minus strand). Cytogenetic location: 15q15.2.
Variant type: single nucleotide variant.
Coding change: c.3185C>T on transcript NM_173500.4 (MANE Select); coding-DNA position 3185, C replaced by T.
Protein change: p.Thr1062Ile; replaces threonine 1062 with isoleucine.
Molecular consequence: missense variant.
Genome position (GRCh38, 1-based): chr15:42,752,061, G>A on the plus strand (C>T on the coding strand, the complement: TTBK2 is on the minus strand). VCF-style: chr15-42752061-G-A. GRCh37 (hg19) VCF-style: chr15-43044259-G-A.
Other names: short protein forms T1062I.
Identifiers: ClinVar variation 315980 (VCV000315980.53), dbSNP rs55833708, ClinGen allele CA7516634.